The following is an entry in ClinVar:

ClinVar aggregate classification (germline): Uncertain significance (1 of 4 stars; one submission).

Submission:

Ambry Genetics
Classification: Uncertain significance. Last evaluated: 2026-03-27. Review status: criteria provided, single submitter. Criteria: Ambry Variant Classification Scheme 2023. Collection method: clinical testing. Allele origin: germline.
Comment: The p.P1169A variant (also known as c.3505C>G), located in coding exon 31 of the KIF1B gene, results from a C to G substitution at nucleotide position 3505. The proline at codon 1169 is replaced by alanine, an amino acid with highly similar properties. This amino acid position is conserved. In addition, the in silico prediction for this alteration is inconclusive. Based on the available evidence, the clinical significance of this variant remains unclear.

NM_001365951.3(KIF1B):c.3643C>G (p.Pro1215Ala)

Gene: KIF1B (kinesin family member 1B; plus strand). Cytogenetic location: 1p36.22.
Variant type: single nucleotide variant.
Coding change: c.3643C>G on transcript NM_001365951.3 (MANE Select); coding-DNA position 3643, C replaced by G.
Protein change: p.Pro1215Ala; replaces proline 1215 with alanine.
Molecular consequence: missense variant.
Genome position (GRCh38, 1-based): chr1:10,343,242, C>G. VCF-style: chr1-10343242-C-G. GRCh37 (hg19) VCF-style: chr1-10403300-C-G.
Other names: c.3643C>G, p.Pro1215Ala (NM_001365952.1); c.3505C>G, p.Pro1169Ala (NM_015074.3); short protein forms P1169A, P1215A.
Identifiers: ClinVar variation 4858823 (VCV004858823.1).
Genomic context (GRCh38, chr1:10,343,242, plus strand): 5'-AAAATAAATAACTCTTTATAGTCTTGATCTTTGTCTTCCTTTCTTTGCAGTCCGCCTCAG[C>G]CGTGCCGCCGATTCTTCCCTCCACCCATGCCACTGTCCAAGCCAGGTGAGCACTCGCTCC-3'
Protein context (NP_001352880.1, residues 1205-1225): QGQELNSPPQ[Pro1215Ala]CRRFFPPPMP